The following is an entry in ClinVar:

ClinVar aggregate classification (germline): Pathogenic (1 of 4 stars; one submission).

Conditions:
NUS1-related disorder. Also called: NUS1-related condition; NUS1-Related Disorders. Identifiers: MedGen CN382504, MONDO:1060287.

Submission:

Women's Health and Genetics/Laboratory Corporation of America, LabCorp
Classification: Pathogenic for NUS1-Related Disorders. Last evaluated: 2024-10-11. Review status: criteria provided, single submitter. Criteria: LabCorp Variant Classification Summary - May 2015. Collection method: clinical testing. Allele origin: germline.
Comment: Variant summary: NUS1 c.368G>A (p.Trp123X) results in a premature termination codon, predicted to cause absence of the protein due to nonsense mediated decay, which is a commonly known mechanism for disease. The variant was absent in 156728 control chromosomes (gnomAD). To our knowledge, no occurrence of c.368G>A in individuals affected with NUS1-Related Disorders and no experimental evidence demonstrating its impact on protein function have been reported. No submitters have cited clinical-significance assessments for this variant to ClinVar. Based on the evidence outlined above, the variant was classified as pathogenic.

NM_138459.5(NUS1):c.368G>A (p.Trp123Ter)

Gene: NUS1 (NUS1 dehydrodolichyl diphosphate synthase subunit; plus strand). Cytogenetic location: 6q22.1.
Variant type: single nucleotide variant.
Coding change: c.368G>A on transcript NM_138459.5 (MANE Select); coding-DNA position 368, G replaced by A.
Protein change: p.Trp123Ter; replaces tryptophan 123 with a stop codon.
Molecular consequence: nonsense.
Genome position (GRCh38, 1-based): chr6:117,676,038, G>A. VCF-style: chr6-117676038-G-A. GRCh37 (hg19) VCF-style: chr6-117997201-G-A.
Other names: short protein forms W123*.
Identifiers: ClinVar variation 3384731 (VCV003384731.1).